The following is an entry in ClinVar:

ClinVar aggregate classification (germline): Uncertain significance (1 of 4 stars; one submission).

Allele frequency attached by ClinVar (database versions not stated): TOPMed 0.00033; ExAC 0.00051; 1000 Genomes Project 30x 0.00062; ESP Exome Variant Server 0.00062; 1000 Genomes Project 0.00080.
gnomAD v4.1: 1,194 of 1,614,196 alleles (0.074%); highest among the groups gnomAD compares: South Asian, 0.16%; 1 homozygote.

Submission:

Labcorp Genetics (formerly Invitae), Labcorp
Classification: Uncertain significance. Last evaluated: 2025-10-29. Review status: criteria provided, single submitter. Criteria: Invitae Variant Classification Sherloc (09022015). Collection method: clinical testing. Allele origin: germline.
Comment: This sequence change replaces threonine, which is neutral and polar, with proline, which is neutral and non-polar, at codon 2096 of the FBN3 protein (p.Thr2096Pro). This variant is present in population databases (rs45451694, gnomAD 0.1%), and has an allele count higher than expected for a pathogenic variant. This variant has not been reported in the literature in individuals affected with FBN3-related conditions. ClinVar contains an entry for this variant (Variation ID: 2059766). Invitae Evidence Modeling of protein sequence and biophysical properties (such as structural, functional, and spatial information, amino acid conservation, physicochemical variation, residue mobility, and thermodynamic stability) indicates that this missense variant is not expected to disrupt FBN3 protein function with a negative predictive value of 80%. In summary, the available evidence is currently insufficient to determine the role of this variant in disease. Therefore, it has been classified as a Variant of Uncertain Significance.

NM_032447.5(FBN3):c.6286A>C (p.Thr2096Pro)

Gene: FBN3 (fibrillin 3; minus strand). Cytogenetic location: 19p13.2.
Variant type: single nucleotide variant.
Coding change: c.6286A>C on transcript NM_032447.5 (MANE Select); coding-DNA position 6286, A replaced by C.
Protein change: p.Thr2096Pro; replaces threonine 2096 with proline.
Molecular consequence: missense variant.
Genome position (GRCh38, 1-based): chr19:8,089,635, T>G on the plus strand (A>C on the coding strand, the complement: FBN3 is on the minus strand). VCF-style: chr19-8089635-T-G. GRCh37 (hg19) VCF-style: chr19-8154519-T-G.
Other names: c.6286A>C, p.Thr2096Pro (NM_001321431.2); short protein forms T2096P.
Identifiers: ClinVar variation 2059766 (VCV002059766.4), dbSNP rs45451694, ClinGen allele CA9151339.